The following is an entry in ClinVar:

NM_004629.2(FANCG):c.1643G>C (p.Arg548Pro)

Gene: FANCG (FA complementation group G; minus strand). Cytogenetic location: 9p13.3.
Variant type: single nucleotide variant.
Coding change: c.1643G>C on transcript NM_004629.2 (MANE Select); coding-DNA position 1643, G replaced by C.
Protein change: p.Arg548Pro; replaces arginine 548 with proline.
Molecular consequence: missense variant.
Genome position (GRCh38, 1-based): chr9:35,074,488, C>G on the plus strand (G>C on the coding strand, the complement: FANCG is on the minus strand). VCF-style: chr9-35074488-C-G. GRCh37 (hg19) VCF-style: chr9-35074485-C-G.
Other names: short protein forms R548P.
Identifiers: ClinVar variation 4022545 (VCV004022545.1).
Genomic context (GRCh38, chr9:35,074,488, plus strand): 5'-GTGGCCTCATCCCTCCGATCTAGCCTCTTCAGAGTCTGAAGCAGGTGAAAGTAAGTGTCT[C>G]GATTACCTGTAGCCCCAGCCCAGAGTACAGAGTCTTAGAACTTGACATAGTCTTAGGCAT-3'
Protein context (NP_004620.1, residues 538-558): LLSVQMCPGN[Arg548Pro]DTYFHLLQTL

ClinVar aggregate classification (germline): Uncertain significance (1 of 4 stars; one submission).

Conditions:
Inborn genetic diseases. Identifiers: MedGen C0950123, MeSH D030342.

Submission:

Ambry Genetics
Classification: Uncertain significance for Inborn genetic diseases. Last evaluated: 2025-05-31. Review status: criteria provided, single submitter. Criteria: Ambry Variant Classification Scheme 2023. Collection method: clinical testing. Allele origin: germline.
Comment: The p.R548P variant (also known as c.1643G>C), located in coding exon 13 of the FANCG gene, results from a G to C substitution at nucleotide position 1643. The arginine at codon 548 is replaced by proline, an amino acid with dissimilar properties. This amino acid position is conserved. In addition, this alteration is predicted to be tolerated by in silico analysis. Based on the available evidence, the clinical significance of this variant remains unclear.